The following is an entry in ClinVar:

NM_001984.2(ESD):c.348C>T (p.Thr116=)

Gene: ESD (esterase D; minus strand). Cytogenetic location: 13q14.2.
Variant type: single nucleotide variant.
Coding change: c.348C>T on transcript NM_001984.2 (MANE Select); coding-DNA position 348, C replaced by T.
Protein change: p.Thr116=; no amino-acid change (threonine 116 retained).
Molecular consequence: synonymous variant.
Genome position (GRCh38, 1-based): chr13:46,782,700, G>A on the plus strand (C>T on the coding strand, the complement: ESD is on the minus strand). VCF-style: chr13-46782700-G-A. GRCh37 (hg19) VCF-style: chr13-47356835-G-A.
Identifiers: ClinVar variation 784270 (VCV000784270.28), dbSNP rs35111834, ClinGen allele CA6977374.

ClinVar aggregate classification (germline): Benign/Likely benign. Review status: criteria provided, multiple submitters, no conflicts (2 of 4 stars). 3 submissions from 3 submitters: Benign (2); Likely benign (1). Last evaluated 2022-09-01.

Allele frequency attached by ClinVar (database versions not stated): 1000 Genomes Project 30x 0.00141; 1000 Genomes Project 0.00180; ExAC 0.00274; gnomAD exomes 0.00282; gnomAD 0.00358 and 0.00406; TOPMed 0.00414; ESP Exome Variant Server 0.00508.
gnomAD v4.1: 8,663 of 1,612,056 alleles (0.54%); highest among the groups gnomAD compares: Non-Finnish European, 0.68%; 27 homozygotes.

Submissions (3):

CeGaT Center for Human Genetics Tuebingen
Classification: Likely benign. Last evaluated: 2022-09-01. Review status: criteria provided, single submitter. Criteria: CeGaT Center For Human Genetics Tuebingen Variant Classification Criteria Version 2. Collection method: clinical testing. Allele origin: germline. Affected: yes. Observed: 1 variant allele.
Comment: ESD: BP4, BP7

Labcorp Genetics (formerly Invitae), Labcorp
Classification: Benign. Last evaluated: 2018-03-05. Review status: criteria provided, single submitter. Criteria: Invitae Variant Classification Sherloc (09022015). Collection method: clinical testing. Allele origin: germline.

Breakthrough Genomics
Classification: Benign. Review status: criteria provided, single submitter. Criteria: ACMG Guidelines, 2015. Collection method: not provided. Allele origin: germline. Inheritance: Unknown mechanism. Affected: yes.